The following is an entry in ClinVar:

NM_001429.4(EP300):c.6922C>T (p.Arg2308Cys)

Gene: EP300 (EP300 lysine acetyltransferase; plus strand). Cytogenetic location: 22q13.2.
Variant type: single nucleotide variant.
Coding change: c.6922C>T on transcript NM_001429.4 (MANE Select); coding-DNA position 6922, C replaced by T.
Protein change: p.Arg2308Cys; replaces arginine 2308 with cysteine.
Molecular consequence: missense variant.
Genome position (GRCh38, 1-based): chr22:41,178,633, C>T. VCF-style: chr22-41178633-C-T. GRCh37 (hg19) VCF-style: chr22-41574637-C-T.
Other names: c.6922C>T (NM_001429.3); c.6844C>T, p.Arg2282Cys (NM_001362843.2); short protein forms R2308C, R2282C.
Identifiers: ClinVar variation 1520693 (VCV001520693.33), dbSNP rs145312648, ClinGen allele CA10253980.

ClinVar aggregate classification (germline): Likely benign. Review status: criteria provided, multiple submitters, no conflicts (2 of 4 stars). 4 submissions from 4 submitters: Likely benign (4). Last evaluated 2025-09-29.

Conditions:
EP300-related disorder. Also called: EP300-related disorders; EP300-related condition.
Rubinstein-Taybi syndrome due to EP300 haploinsufficiency. Also called: RUBINSTEIN-TAYBI SYNDROME 2; EP300-Related Rubinstein-Taybi Syndrome. Identifiers: Orphanet 353284, Orphanet 783, MedGen C3150941, MONDO:0013364, OMIM 613684.

Allele frequency attached by ClinVar (database versions not stated): gnomAD 0.00005; TOPMed 0.00005; gnomAD exomes 0.00008 and 0.00011; ExAC 0.00009; ESP Exome Variant Server 0.00031.
gnomAD v4.1: 178 of 1,614,010 alleles (0.011%); highest among the groups gnomAD compares: Middle Eastern, 0.016%; no homozygotes.

Submissions (4):

PreventionGenetics, part of Exact Sciences
Classification: Likely benign for EP300-related condition. Last evaluated: 2025-09-29. Review status: criteria provided, single submitter. Criteria: ACMG Guidelines, 2015. Collection method: clinical testing. Allele origin: germline.
Comment: This variant is classified as likely benign based on ACMG/AMP sequence variant interpretation guidelines (Richards et al. 2015 PMID: 25741868, with internal and published modifications).

Labcorp Genetics (formerly Invitae), Labcorp
Classification: Likely benign for Rubinstein-Taybi syndrome due to EP300 haploinsufficiency. Last evaluated: 2025-01-18. Review status: criteria provided, single submitter. Criteria: Invitae Variant Classification Sherloc (09022015). Collection method: clinical testing. Allele origin: germline.

CeGaT Center for Human Genetics Tuebingen
Classification: Likely benign. Last evaluated: 2024-04-01. Review status: criteria provided, single submitter. Criteria: CeGaT Center For Human Genetics Tuebingen Variant Classification Criteria Version 2. Collection method: clinical testing. Allele origin: germline. Affected: yes. Observed: 2 variant alleles.
Comment: EP300: BS1

Blueprint Genetics
Classification: Likely benign. Last evaluated: 2024-02-21. Review status: criteria provided, single submitter. Criteria: ACMG Guidelines, 2015. Collection method: clinical testing. Allele origin: germline.